The following is an entry in ClinVar:

NM_021625.5(TRPV4):c.2495T>G (p.Leu832Arg)

Gene: TRPV4 (transient receptor potential cation channel subfamily V member 4; minus strand). Cytogenetic location: 12q24.11.
Variant type: single nucleotide variant.
Coding change: c.2495T>G on transcript NM_021625.5 (MANE Select); coding-DNA position 2495, T replaced by G.
Protein change: p.Leu832Arg; replaces leucine 832 with arginine.
Molecular consequence: missense variant.
Genome position (GRCh38, 1-based): chr12:109,783,742, A>C on the plus strand (T>G on the coding strand, the complement: TRPV4 is on the minus strand). VCF-style: chr12-109783742-A-C. GRCh37 (hg19) VCF-style: chr12-110221547-A-C.
Other names: c.2354T>G, p.Leu785Arg (NM_001177428.2); c.2393T>G, p.Leu798Arg (NM_001177431.2); c.2174T>G, p.Leu725Arg (NM_001177433.2); c.2315T>G, p.Leu772Arg (NM_147204.3); short protein forms L832R, L725R, L785R, L798R, L772R.
Identifiers: ClinVar variation 581915 (VCV000581915.7), dbSNP rs1565856842, ClinGen allele CA386648595.

ClinVar aggregate classification (germline): Uncertain significance (1 of 4 stars; one submission).

Conditions:
Charcot-Marie-Tooth disease axonal type 2C (HMSN2C). Also called: Charcot-Marie-Tooth Disease Type 2, TRPV4-Related (CMT2C); CHARCOT-MARIE-TOOTH DISEASE, AXONAL, AUTOSOMAL DOMINANT, TYPE 2C; Charcot-Marie-Tooth Neuropathy Type 2C. Identifiers: Orphanet 99937, MedGen C1853710, MONDO:0011633, OMIM 606071.

Submission:

Labcorp Genetics (formerly Invitae), Labcorp
Classification: Uncertain significance for Charcot-Marie-Tooth disease axonal type 2C. Last evaluated: 2023-11-22. Review status: criteria provided, single submitter. Criteria: Invitae Variant Classification Sherloc (09022015). Collection method: clinical testing. Allele origin: germline.
Comment: This sequence change replaces leucine, which is neutral and non-polar, with arginine, which is basic and polar, at codon 832 of the TRPV4 protein (p.Leu832Arg). This variant is not present in population databases (gnomAD no frequency). This variant has not been reported in the literature in individuals affected with TRPV4-related conditions. ClinVar contains an entry for this variant (Variation ID: 581915). Advanced modeling of protein sequence and biophysical properties (such as structural, functional, and spatial information, amino acid conservation, physicochemical variation, residue mobility, and thermodynamic stability) has been performed at Invitae for this missense variant, however the output from this modeling did not meet the statistical confidence thresholds required to predict the impact of this variant on TRPV4 protein function. In summary, the available evidence is currently insufficient to determine the role of this variant in disease. Therefore, it has been classified as a Variant of Uncertain Significance.